The following is an entry in ClinVar:

NM_000094.4(COL7A1):c.5532+5G>A

Gene: COL7A1 (collagen type VII alpha 1 chain; minus strand). Cytogenetic location: 3p21.31.
Variant type: single nucleotide variant.
Coding change: c.5532+5G>A on transcript NM_000094.4 (MANE Select); 5 bases into the intron after coding-DNA position 5532, G replaced by A.
Molecular consequence: intron variant.
Genome position (GRCh38, 1-based): chr3:48,578,316, C>T on the plus strand (G>A on the coding strand, the complement: COL7A1 is on the minus strand). VCF-style: chr3-48578316-C-T. GRCh37 (hg19) VCF-style: chr3-48615749-C-T.
Identifiers: ClinVar variation 1458606 (VCV001458606.11), dbSNP rs1210912397, ClinGen allele CA542791122.

ClinVar aggregate classification (germline): Pathogenic/Likely pathogenic. Review status: criteria provided, multiple submitters, no conflicts (2 of 4 stars). 5 submissions from 5 submitters: Pathogenic (4); Likely pathogenic (1). Last evaluated 2025-05-29.

Conditions:
Pretibial dystrophic epidermolysis bullosa. Also called: Pretibial blistering; Pretibial epidermolysis bullosa; EPIDERMOLYSIS BULLOSA DYSTROPHICA, PRETIBIAL. Identifiers: Orphanet 79410, MedGen C0432321, MONDO:0007552, OMIM 131850, HP:0012221.
Dominant dystrophic epidermolysis bullosa with absence of skin. Also called: EPIDERMOLYSIS BULLOSA DYSTROPHICA, BART TYPE; EPIDERMOLYSIS BULLOSA WITH CONGENITAL LOCALIZED ABSENCE OF SKIN AND DEFORMITY OF NAILS. Identifiers: MedGen C0268371, MONDO:0007557, OMIM 132000.
Epidermolysis bullosa pruriginosa. Also called: DEB, PRURIGINOSA; DYSTROPHIC EPIDERMOLYSIS BULLOSA PRURIGINOSA. Identifiers: Orphanet 89843, MedGen C1275114, MONDO:0011398, OMIM 604129.
Recessive dystrophic epidermolysis bullosa (RDEB). Also called: EPIDERMOLYSIS BULLOSA DYSTROPHICA, HALLOPEAU-SIEMENS TYPE; severe generalized recessive dystrophic epidermolysis bullosa; Recessive DEB (RDEB); DYSTROPHIC EPIDERMOLYSIS BULLOSA, AUTOSOMAL RECESSIVE; Epidermolysis Bullosa Distrophica Autosomal Recessive (RDEB); Hallopeau-Siemens Disease. Identifiers: Orphanet 79408, Orphanet 79409, MedGen C0079474, MONDO:0009179, OMIM 226600.
Nonsyndromic congenital nail disorder 8. Also called: TOENAIL DYSTROPHY, ISOLATED. Identifiers: MedGen C1843761, MONDO:0011852, OMIM 607523.
Transient bullous dermolysis of the newborn (TBDN). Also called: DYSTROPHIC EPIDERMOLYSIS BULLOSA, NEONATAL; EPIDERMOLYSIS BULLOSA DYSTROPHICA, NEONATAL FORM. Identifiers: Orphanet 79411, MedGen C1851573, MONDO:0007548, OMIM 131705.
Generalized dominant dystrophic epidermolysis bullosa (DDEB). Also called: Dominant DEB (DDEB); DDEB, generalized; DDEB-gen; DYSTROPHIC EPIDERMOLYSIS BULLOSA, AUTOSOMAL DOMINANT; Epidermolysis bullosa dystrophica, autosomal dominant. Identifiers: Orphanet 231568, MedGen C0432322, MONDO:0007549, OMIM 131750.

Allele frequency attached by ClinVar (database versions not stated): gnomAD exomes below 0.00001 and 0.00001; gnomAD 0.00001; TOPMed 0.00001.
gnomAD v4.1: 4 of 1,612,372 alleles (0.00025%); highest among the groups gnomAD compares: Non-Finnish European, 0.00034%; no homozygotes.

Submissions (5):

3billion
Classification: Pathogenic for Recessive dystrophic epidermolysis bullosa. Last evaluated: 2025-05-29. Review status: criteria provided, single submitter. Criteria: ACMG Guidelines, 2015. Collection method: clinical testing. Allele origin: germline. Affected: yes.
Comment: The variant is observed at an extremely low frequency in the gnomAD v4.1.0 dataset (total allele frequency: <0.001%). Predicted Consequence/Location: Intron variant: previously reported to result in an inframe deletion (PMID: 21182502). In silico tools predict the variant to alter splicing and produce an abnormal transcript [SpliceAI: 0.94 (spliceogenicity >=0.2, non-spliceogenicity <0.1)]. Intron variant: previously reported to result in an inframe deletion (PMID: 21182502). Therefore, this variant is classified as Pathogenic according to the recommendation of ACMG/AMP guideline.

Labcorp Genetics (formerly Invitae), Labcorp
Classification: Pathogenic. Last evaluated: 2024-09-17. Review status: criteria provided, single submitter. Criteria: Invitae Variant Classification Sherloc (09022015). Collection method: clinical testing. Allele origin: germline.
Comment: This sequence change falls in intron 64 of the COL7A1 gene. It does not directly change the encoded amino acid sequence of the COL7A1 protein. RNA analysis indicates that this variant induces altered splicing and likely results in a shortened protein product. This variant is present in population databases (no rsID available, gnomAD 0.01%). This variant has been observed in individual(s) with autosomal recessive dystrophic epidermolysis bullosa (PMID: 21182502, 32484238). In at least one individual the data is consistent with being in trans (on the opposite chromosome) from a pathogenic variant. ClinVar contains an entry for this variant (Variation ID: 1458606). Variants that disrupt the consensus splice site are a relatively common cause of aberrant splicing (PMID: 17576681, 9536098). Studies have shown that this variant results in skipping of exon 64, but is expected to preserve the integrity of the reading-frame (PMID: 21182502). This variant disrupts the triple helix domain of COL7A1. Glycine residues within the Gly-Xaa-Yaa repeats of the triple helix domain are required for the structure and stability of fibrillar collagens (PMID: 7695699, 8218237, 19344236), and variants at these glycine residues in COL7A1 are more frequently observed in individuals with disease than in the general population (PMID: 22058051). However, the clinical significance of this observation remains uncertain since only a limited number of affected individuals have been described to date. For these reasons, this variant has been classified as Pathogenic.

Fulgent Genetics
Classification: Pathogenic for Transient bullous dermolysis of the newborn; Generalized dominant dystrophic epidermolysis bullosa; Pretibial dystrophic epidermolysis bullosa; Dominant dystrophic epidermolysis bullosa with absence of skin; Recessive dystrophic epidermolysis bullosa; Epidermolysis bullosa pruriginosa; Nonsyndromic congenital nail disorder 8. Last evaluated: 2024-05-09. Review status: criteria provided, single submitter. Criteria: ACMG Guidelines, 2015. Collection method: clinical testing. Allele origin: germline.

GeneDx
Classification: Pathogenic. Last evaluated: 2023-04-10. Review status: criteria provided, single submitter. Criteria: GeneDx Variant Classification Process June 2021. Collection method: clinical testing. Allele origin: germline. Affected: yes.
Comment: Non-canonical splice site variant demonstrated to result in loss of function (Huang et al., 2011) in a gene for which loss of function is a known mechanism of disease; This variant is associated with the following publications: (PMID: 21182502, 25525159, 32484238)

Juno Genomics, Hangzhou Juno Genomics, Inc
Classification: Likely pathogenic for Transient bullous dermolysis of the newborn; Recessive dystrophic epidermolysis bullosa; Generalized dominant dystrophic epidermolysis bullosa; Dominant dystrophic epidermolysis bullosa with absence of skin; Nonsyndromic congenital nail disorder 8; Epidermolysis bullosa pruriginosa; Pretibial dystrophic epidermolysis bullosa. Review status: criteria provided, single submitter. Criteria: ACMG Guidelines, 2015. Collection method: clinical testing. Allele origin: germline.
Comment: Absent from controls (or at extremely low frequency if recessive) in Genome Aggregation Database.;Well-established in vitro or in vivo functional studies supportive of a damaging effect on the gene or gene product.;For recessive disorders, detected in trans with a pathogenic variant.;Patient's phenotype or family history is highly specific for a disease with a single genetic etiology.

Literature cited by the submitters: PubMed 32484238 (cited by 3billion and Labcorp Genetics (formerly Invitae), Labcorp); PubMed 21182502 (cited by 3billion and Labcorp Genetics (formerly Invitae), Labcorp); PubMed 17576681 (cited by Labcorp Genetics (formerly Invitae), Labcorp); PubMed 9536098 (cited by Labcorp Genetics (formerly Invitae), Labcorp); PubMed 7695699 (cited by Labcorp Genetics (formerly Invitae), Labcorp); PubMed 8218237 (cited by Labcorp Genetics (formerly Invitae), Labcorp); PubMed 19344236 (cited by Labcorp Genetics (formerly Invitae), Labcorp); PubMed 22058051 (cited by Labcorp Genetics (formerly Invitae), Labcorp).